The following is an entry in ClinVar:

NM_001793.6(CDH3):c.2219C>T (p.Pro740Leu)

Gene: CDH3 (cadherin 3; plus strand). Cytogenetic location: 16q22.1.
Variant type: single nucleotide variant.
Coding change: c.2219C>T on transcript NM_001793.6 (MANE Select); coding-DNA position 2219, C replaced by T.
Protein change: p.Pro740Leu; replaces proline 740 with leucine.
Molecular consequence: missense variant.
Genome position (GRCh38, 1-based): chr16:68,695,862, C>T. VCF-style: chr16-68695862-C-T. GRCh37 (hg19) VCF-style: chr16-68729765-C-T.
Other names: c.2219C>T, p.Pro740Leu (NM_001317195.3); c.2054C>T, p.Pro685Leu (NM_001317196.2); short protein forms P685L, P740L.
Identifiers: ClinVar variation 2087412 (VCV002087412.2), dbSNP rs200361366, ClinGen allele CA8129622.

ClinVar aggregate classification (germline): Uncertain significance (1 of 4 stars; one submission).

Allele frequency attached by ClinVar (database versions not stated): gnomAD exomes 0.00001; ExAC 0.00002; 1000 Genomes Project 30x 0.00016; 1000 Genomes Project 0.00020.
gnomAD v4.1: 10 of 1,614,116 alleles (0.00062%); highest among the groups gnomAD compares: African/African-American, 0.004%; no homozygotes.

Submission:

Labcorp Genetics (formerly Invitae), Labcorp
Classification: Uncertain significance. Last evaluated: 2022-02-08. Review status: criteria provided, single submitter. Criteria: Invitae Variant Classification Sherloc (09022015). Collection method: clinical testing. Allele origin: germline.
Comment: Algorithms developed to predict the effect of missense changes on protein structure and function are either unavailable or do not agree on the potential impact of this missense change (SIFT: "Not Available"; PolyPhen-2: "Probably Damaging"; Align-GVGD: "Not Available"). In summary, the available evidence is currently insufficient to determine the role of this variant in disease. Therefore, it has been classified as a Variant of Uncertain Significance. This variant has not been reported in the literature in individuals affected with CDH3-related conditions. This variant is present in population databases (rs200361366, gnomAD 0.008%). This sequence change replaces proline, which is neutral and non-polar, with leucine, which is neutral and non-polar, at codon 740 of the CDH3 protein (p.Pro740Leu).